The following is an entry in ClinVar:

NM_020529.3(NFKBIA):c.287A>G (p.Gln96Arg)

Gene: NFKBIA (NFKB inhibitor alpha; minus strand). Cytogenetic location: 14q13.2.
Variant type: single nucleotide variant.
Coding change: c.287A>G on transcript NM_020529.3 (MANE Select); coding-DNA position 287, A replaced by G.
Protein change: p.Gln96Arg; replaces glutamine 96 with arginine.
Molecular consequence: missense variant.
Genome position (GRCh38, 1-based): chr14:35,403,739, T>C on the plus strand (A>G on the coding strand, the complement: NFKBIA is on the minus strand). VCF-style: chr14-35403739-T-C. GRCh37 (hg19) VCF-style: chr14-35872945-T-C.
Other names: c.287A>G (NM_020529.2); short protein forms Q96R.
Identifiers: ClinVar variation 1488511 (VCV001488511.8), dbSNP rs2138832812, ClinGen allele CA389454320.

ClinVar aggregate classification (germline): Uncertain significance. Review status: criteria provided, multiple submitters, no conflicts (2 of 4 stars). 2 submissions from 2 submitters: Uncertain significance (2). Last evaluated 2022-12-12.

Conditions:
Ectodermal dysplasia and immunodeficiency 2. Identifiers: Orphanet 238468, Orphanet 98813, MedGen C2677481, MONDO:0012806, OMIM 612132.

Submissions (2):

GeneDx
Classification: Uncertain significance. Last evaluated: 2022-12-12. Review status: criteria provided, single submitter. Criteria: GeneDx Variant Classification Process June 2021. Collection method: clinical testing. Allele origin: germline. Affected: yes.
Comment: Not observed at significant frequency in large population cohorts (gnomAD); In silico analysis supports that this missense variant does not alter protein structure/function; Has not been previously published as pathogenic or benign to our knowledge

Labcorp Genetics (formerly Invitae), Labcorp
Classification: Uncertain significance for Ectodermal dysplasia and immunodeficiency 2. Last evaluated: 2021-05-04. Review status: criteria provided, single submitter. Criteria: Invitae Variant Classification Sherloc (09022015). Collection method: clinical testing. Allele origin: germline.
Comment: This sequence change replaces glutamine with arginine at codon 96 of the NFKBIA protein (p.Gln96Arg). The glutamine residue is moderately conserved and there is a small physicochemical difference between glutamine and arginine. This variant is not present in population databases (ExAC no frequency). This variant has not been reported in the literature in individuals with NFKBIA-related conditions. Algorithms developed to predict the effect of missense changes on protein structure and function output the following: SIFT: "Tolerated"; PolyPhen-2: "Benign"; Align-GVGD: "Class C0". The arginine amino acid residue is found in multiple mammalian species, suggesting that this missense change does not adversely affect protein function. These predictions have not been confirmed by published functional studies and their clinical significance is uncertain. In summary, the available evidence is currently insufficient to determine the role of this variant in disease. Therefore, it has been classified as a Variant of Uncertain Significance.